The following is an entry in ClinVar:

NM_001349884.2(DRAM2):c.694-6T>G

Gene: DRAM2 (DNA damage regulated autophagy modulator 2; minus strand). Cytogenetic location: 1p13.3.
Variant type: single nucleotide variant.
Coding change: c.694-6T>G on transcript NM_001349884.2 (MANE Select); 6 bases into the intron before coding-DNA position 694, T replaced by G.
Molecular consequence: intron variant.
Genome position (GRCh38, 1-based): chr1:111,118,273, A>C on the plus strand (T>G on the coding strand, the complement: DRAM2 is on the minus strand). VCF-style: chr1-111118273-A-C. GRCh37 (hg19) VCF-style: chr1-111660895-A-C.
Other names: c.694-6T>G (NM_001349885.2, NM_178454.6, NM_001349882.2 and 1 more transcripts); c.304-6T>G (NM_001349889.2, NM_001349890.2, NM_001349891.2 and 2 more transcripts); c.424-6T>G (NM_001349887.2, NM_001349886.2, NM_001349888.2).
Identifiers: ClinVar variation 3053751 (VCV003053751.2), dbSNP rs2524658847, ClinGen allele CA2647074295.

ClinVar aggregate classification (germline): Likely benign (0 of 4 stars; one submission).

Conditions:
DRAM2-related disorder. Also called: DRAM2-related condition.

Submission:

PreventionGenetics, part of Exact Sciences
Classification: Likely benign for DRAM2-related condition. Last evaluated: 2020-07-29. Review status: no assertion criteria provided. Collection method: clinical testing. Allele origin: germline.
Comment: This variant is classified as likely benign based on ACMG/AMP sequence variant interpretation guidelines (Richards et al. 2015 PMID: 25741868, with internal and published modifications).